The following is an entry in ClinVar:

NM_006206.6(PDGFRA):c.1629T>G (p.Ile543Met)

Gene: PDGFRA (platelet derived growth factor receptor alpha; plus strand). Cytogenetic location: 4q12.
Variant type: single nucleotide variant.
Coding change: c.1629T>G on transcript NM_006206.6 (MANE Select); coding-DNA position 1629, T replaced by G.
Protein change: p.Ile543Met; replaces isoleucine 543 with methionine.
Molecular consequence: missense variant.
Genome position (GRCh38, 1-based): chr4:54,274,601, T>G. VCF-style: chr4-54274601-T-G. GRCh37 (hg19) VCF-style: chr4-55140768-T-G.
Other names: c.1629T>G, p.Ile543Met (NM_001347827.2, NM_001347829.2); c.1704T>G, p.Ile568Met (NM_001347828.2); c.1668T>G, p.Ile556Met (NM_001347830.2); short protein forms I556M, I568M, I543M.
Identifiers: ClinVar variation 1776771 (VCV001776771.2), dbSNP rs2110296815, ClinGen allele CA356892956.

ClinVar aggregate classification (germline): Uncertain significance (1 of 4 stars; one submission).

Conditions:
Hereditary cancer-predisposing syndrome. Also called: Neoplastic Syndromes, Hereditary; Tumor predisposition; Hereditary Cancer Syndrome; Hereditary neoplastic syndrome. Identifiers: Orphanet 140162, MedGen C0027672, MeSH D009386, MONDO:0015356.

Submission:

Ambry Genetics
Classification: Uncertain significance for Hereditary cancer-predisposing syndrome. Last evaluated: 2021-12-24. Review status: criteria provided, single submitter. Criteria: Ambry Variant Classification Scheme 2023. Collection method: clinical testing. Allele origin: germline.
Comment: The p.I543M variant (also known as c.1629T>G), located in coding exon 10 of the PDGFRA gene, results from a T to G substitution at nucleotide position 1629. The isoleucine at codon 543 is replaced by methionine, an amino acid with highly similar properties. This amino acid position is conserved. In addition, the in silico prediction for this alteration is inconclusive. Since supporting evidence is limited at this time, the clinical significance of this alteration remains unclear.